The following is an entry in ClinVar:

NM_001040108.2(MLH3):c.3336G>A (p.Pro1112=)

Gene: MLH3 (mutL homolog 3; minus strand). Cytogenetic location: 14q24.3.
Variant type: single nucleotide variant.
Coding change: c.3336G>A on transcript NM_001040108.2 (MANE Select); coding-DNA position 3336, G replaced by A.
Protein change: p.Pro1112=; no amino-acid change (proline 1112 retained).
Molecular consequence: synonymous variant.
Genome position (GRCh38, 1-based): chr14:75,042,422, C>T on the plus strand (G>A on the coding strand, the complement: MLH3 is on the minus strand). VCF-style: chr14-75042422-C-T. GRCh37 (hg19) VCF-style: chr14-75509125-C-T.
Other names: c.3336G>A, p.Pro1112= (NM_014381.3).
Identifiers: ClinVar variation 1147170 (VCV001147170.14), dbSNP rs762298048, ClinGen allele CA7275529.

ClinVar aggregate classification (germline): Benign/Likely benign. Review status: criteria provided, multiple submitters, no conflicts (2 of 4 stars). 3 submissions from 3 submitters: Benign (1); Likely benign (2). Last evaluated 2026-05-05.

Conditions:
Colorectal cancer, hereditary nonpolyposis, type 7. Identifiers: Orphanet 144, MedGen C1858380, MONDO:0013725, OMIM 614385.

Allele frequency attached by ClinVar (database versions not stated): TOPMed 0.00002; gnomAD exomes 0.00002; gnomAD 0.00006; ExAC 0.00002.
gnomAD v4.1: 31 of 1,613,982 alleles (0.0019%); highest among the groups gnomAD compares: African/African-American, 0.013%; no homozygotes.

Submissions (4):

Myriad Genetics, Inc.
Classification: Benign for Colorectal cancer, hereditary nonpolyposis, type 7. Last evaluated: 2026-05-05. Review status: criteria provided, single submitter. Criteria: Myriad Autosomal Dominant, Autosomal Recessive and X-Linked Classification Criteria (2023). Collection method: clinical testing. Allele origin: unknown.
Comment: This variant is considered benign. This variant is a silent/synonymous amino acid change and it is not expected to impact splicing.

Labcorp Genetics (formerly Invitae), Labcorp
Classification: Likely benign for Colorectal cancer, hereditary nonpolyposis, type 7. Last evaluated: 2026-01-06. Review status: criteria provided, single submitter. Criteria: Invitae Variant Classification Sherloc (09022015). Collection method: clinical testing. Allele origin: germline.

Ambry Genetics
Classification: Likely benign. Last evaluated: 2022-04-22. Review status: criteria provided, single submitter. Criteria: Ambry Variant Classification Scheme 2023. Collection method: clinical testing. Allele origin: germline.

Dr. Peter K. Rogan Lab, Western University
No classification provided (evidence only). Condition: Thyroid cancer, nonmedullary, 1. Review status: no classification provided. Collection method: in vitro. Allele origin: not applicable. Functional consequence: skipped exon. Not counted in ClinVar's aggregate classification.